The following is an entry in ClinVar:

NC_000002.11:g.(?_236403331)_(237032766_?)del

Gene: AGAP1 (ArfGAP with GTPase domain, ankyrin repeat and PH domain 1; plus strand). Cytogenetic location: 2q37.2.
Variant type: Deletion.
Identifiers: ClinVar variation 2425999 (VCV002425999.4).

ClinVar aggregate classification (germline): Uncertain significance (1 of 4 stars; one submission).

Submission:

Labcorp Genetics (formerly Invitae), Labcorp
Classification: Uncertain significance. Last evaluated: 2022-09-30. Review status: criteria provided, single submitter. Criteria: Invitae Variant Classification Sherloc (09022015). Collection method: clinical testing. Allele origin: germline.
Comment: In summary, the available evidence is currently insufficient to determine the role of this variant in disease. Therefore, it has been classified as a Variant of Uncertain Significance. This variant has not been reported in the literature in individuals affected with AGAP1-related conditions. A gross deletion of the genomic region encompassing the full coding sequence of the AGAP1 gene has been identified. The current clinical and genetic evidence is not sufficient to establish whether loss-of-function variants in AGAP1 cause disease. The boundaries of this event are unknown as they extend beyond the assayed region for this gene and therefore may encompass additional genes.